The following is an entry in ClinVar:

ClinVar aggregate classification (germline): Uncertain significance. Review status: criteria provided, multiple submitters, no conflicts (2 of 4 stars). 2 submissions from 2 submitters: Uncertain significance (2). Last evaluated 2025-06-22.

Conditions:
Spinocerebellar ataxia type 19/22 (SCA19). Also called: SPINOCEREBELLAR ATAXIA 22; SPINOCEREBELLAR ATAXIA 19. Identifiers: Orphanet 98772, MedGen C1846367, MONDO:0011819, OMIM 607346.
Brugada syndrome 9 (BRGDA9). Identifiers: Orphanet 130, MedGen C4225340, MONDO:0014621, OMIM 616399.

Allele frequency attached by ClinVar (database versions not stated): gnomAD exomes below 0.00001; TOPMed below 0.00001; gnomAD 0.00001.

Submissions (2):

Labcorp Genetics (formerly Invitae), Labcorp
Classification: Uncertain significance for Spinocerebellar ataxia type 19/22. Last evaluated: 2025-06-22. Review status: criteria provided, single submitter. Criteria: Invitae Variant Classification Sherloc (09022015). Collection method: clinical testing. Allele origin: germline.
Comment: This sequence change replaces alanine, which is neutral and non-polar, with serine, which is neutral and polar, at codon 622 of the KCND3 protein (p.Ala622Ser). This variant is present in population databases (no rsID available, gnomAD 0.0009%). This variant has not been reported in the literature in individuals affected with KCND3-related conditions. ClinVar contains an entry for this variant (Variation ID: 1057886). Invitae Evidence Modeling of protein sequence and biophysical properties (such as structural, functional, and spatial information, amino acid conservation, physicochemical variation, residue mobility, and thermodynamic stability) indicates that this missense variant is not expected to disrupt KCND3 protein function with a negative predictive value of 95%. In summary, the available evidence is currently insufficient to determine the role of this variant in disease. Therefore, it has been classified as a Variant of Uncertain Significance.

Department of Pathology and Laboratory Medicine, Sinai Health System
Classification: Uncertain significance for Spinocerebellar ataxia type 19/22; Brugada syndrome 9. Last evaluated: 2020-04-30. Review status: criteria provided, single submitter. Criteria: ACMG Guidelines, 2015. Collection method: research. Allele origin: germline.

NM_001378969.1(KCND3):c.1864G>T (p.Ala622Ser)

Gene: KCND3 (potassium voltage-gated channel subfamily D member 3; minus strand). Cytogenetic location: 1p13.2.
Variant type: single nucleotide variant.
Coding change: c.1864G>T on transcript NM_001378969.1 (MANE Select); coding-DNA position 1864, G replaced by T.
Protein change: p.Ala622Ser; replaces alanine 622 with serine.
Molecular consequence: missense variant.
Genome position (GRCh38, 1-based): chr1:111,776,181, C>A on the plus strand (G>T on the coding strand, the complement: KCND3 is on the minus strand). VCF-style: chr1-111776181-C-A. GRCh37 (hg19) VCF-style: chr1-112318803-C-A.
Other names: c.1807G>T, p.Ala603Ser (NM_001378970.1, NM_172198.3); c.1864G>T, p.Ala622Ser (NM_004980.5); short protein forms A603S, A622S.
Identifiers: ClinVar variation 1057886 (VCV001057886.10), dbSNP rs1417756814, ClinGen allele CA341655295.